The following is an entry in ClinVar:

NM_000136.3(FANCC):c.417G>T (p.Gly139=)

Gene: FANCC (FA complementation group C; minus strand). Cytogenetic location: 9q22.32.
Variant type: single nucleotide variant.
Coding change: c.417G>T on transcript NM_000136.3 (MANE Select); coding-DNA position 417, G replaced by T.
Protein change: p.Gly139=; no amino-acid change (glycine 139 retained).
Molecular consequence: synonymous variant.
Genome position (GRCh38, 1-based): chr9:95,172,076, C>A on the plus strand (G>T on the coding strand, the complement: FANCC is on the minus strand). VCF-style: chr9-95172076-C-A. GRCh37 (hg19) VCF-style: chr9-97934358-C-A.
Other names: c.417G>T (NM_000136.2); c.417G>T, p.Gly139= (NM_001243743.2, NM_001243744.2).
Identifiers: ClinVar variation 1582212 (VCV001582212.33), dbSNP rs190925189, ClinGen allele CA196886471.

ClinVar aggregate classification (germline): Likely benign. Review status: criteria provided, multiple submitters, no conflicts (2 of 4 stars). 3 submissions from 3 submitters: Likely benign (3). Last evaluated 2024-07-17.

Conditions:
Hereditary cancer-predisposing syndrome. Also called: Neoplastic Syndromes, Hereditary; Hereditary neoplastic syndrome; Tumor predisposition; Hereditary Cancer Syndrome. Identifiers: Orphanet 140162, MedGen C0027672, MeSH D009386, MONDO:0015356.
Fanconi anemia (FA). Also called: Fanconi's anemia. Identifiers: Orphanet 84, MedGen C0015625, MeSH D005199, MONDO:0019391.

gnomAD v4.1: 4 of 1,612,982 alleles (0.00025%); highest among the groups gnomAD compares: Non-Finnish European, 0.00034%; no homozygotes.

Submissions (3):

Ambry Genetics
Classification: Likely benign for Hereditary cancer-predisposing syndrome. Last evaluated: 2024-07-17. Review status: criteria provided, single submitter. Criteria: Ambry Variant Classification Scheme 2023. Collection method: clinical testing. Allele origin: germline.

CeGaT Center for Human Genetics Tuebingen
Classification: Likely benign. Last evaluated: 2023-01-01. Review status: criteria provided, single submitter. Criteria: CeGaT Center For Human Genetics Tuebingen Variant Classification Criteria Version 2. Collection method: clinical testing. Allele origin: germline. Affected: yes. Observed: 1 variant allele.
Comment: FANCC: PM2:Supporting, BP4, BP7

Labcorp Genetics (formerly Invitae), Labcorp
Classification: Likely benign for Fanconi anemia. Last evaluated: 2022-09-28. Review status: criteria provided, single submitter. Criteria: Invitae Variant Classification Sherloc (09022015). Collection method: clinical testing. Allele origin: germline.